The following is an entry in ClinVar:

NM_032119.4(ADGRV1):c.4506C>T (p.Pro1502=)

Gene: ADGRV1 (adhesion G protein-coupled receptor V1; plus strand). Cytogenetic location: 5q14.3.
Variant type: single nucleotide variant.
Coding change: c.4506C>T on transcript NM_032119.4 (MANE Select); coding-DNA position 4506, C replaced by T.
Protein change: p.Pro1502=; no amino-acid change (proline 1502 retained).
Molecular consequence: synonymous variant. On other transcripts: non-coding transcript variant (1).
Genome position (GRCh38, 1-based): chr5:90,658,032, C>T. VCF-style: chr5-90658032-C-T. GRCh37 (hg19) VCF-style: chr5-89953849-C-T.
Other names: p.P1502P:CCC>CCT; p.Pro1502=.
Identifiers: ClinVar variation 46329 (VCV000046329.23), dbSNP rs17543819, ClinGen allele CA138132.

ClinVar aggregate classification (germline): Benign. Review status: criteria provided, multiple submitters, no conflicts (2 of 4 stars). 9 submissions from 9 submitters: Benign (7). 2 of the submissions do not count toward it. Last evaluated 2026-02-04.

Conditions:
Usher syndrome type 2C. Also called: Usher syndrome, type 2B; USHER SYNDROME, TYPE IIC. Identifiers: Orphanet 231178, Orphanet 886, MedGen C2931213, MONDO:0011558, OMIM 605472.
Febrile seizures, familial, 4 (FEB4). Also called: CONVULSIONS, FAMILIAL FEBRILE, 4. Identifiers: MedGen C1858493, MONDO:0011443, OMIM 604352.

Allele frequency attached by ClinVar (database versions not stated): 1000 Genomes Project 30x 0.05091; 1000 Genomes Project 0.05152; TOPMed 0.05561; gnomAD 0.05741 and 0.05924; ESP Exome Variant Server 0.06330; gnomAD exomes 0.07390 and 0.06736; ExAC 0.06877.
gnomAD v4.1: 116,980 of 1,613,504 alleles (7.3%); highest among the groups gnomAD compares: South Asian, 11%; 4,803 homozygotes.

Submissions (9):

Labcorp Genetics (formerly Invitae), Labcorp
Classification: Benign. Last evaluated: 2026-02-04. Review status: criteria provided, single submitter. Criteria: Invitae Variant Classification Sherloc (09022015). Collection method: clinical testing. Allele origin: germline.

Fulgent Genetics
Classification: Benign for Febrile seizures, familial, 4; Usher syndrome type 2C. Last evaluated: 2021-08-11. Review status: criteria provided, single submitter. Criteria: ACMG Guidelines, 2015. Collection method: clinical testing. Allele origin: unknown.

Mayo Clinic Laboratories, Mayo Clinic
Classification: Benign. Last evaluated: 2020-12-04. Review status: criteria provided, single submitter. Criteria: ACMG Guidelines, 2015. Collection method: clinical testing. Allele origin: germline. Observed: 18 variant alleles.

Illumina Laboratory Services, Illumina
Classification: Benign for Usher syndrome type 2C. Last evaluated: 2018-01-13. Review status: criteria provided, single submitter. Criteria: ICSL Variant Classification Criteria 13 December 2019. Collection method: clinical testing. Allele origin: germline.
Comment: This variant was observed in the ICSL laboratory as part of a predisposition screen in an ostensibly healthy population. It had not been previously curated by ICSL or reported in the Human Gene Mutation Database (HGMD: prior to June 1st, 2018), and was therefore a candidate for classification through an automated scoring system. Utilizing variant allele frequency, disease prevalence and penetrance estimates, and inheritance mode, an automated score was calculated to assess if this variant is too frequent to cause the disease. Based on the score and internal cut-off values, a variant classified as benign is not then subjected to further curation. The score for this variant resulted in a classification of benign for this disease.

Athena Diagnostics
Classification: Benign. Last evaluated: 2017-04-20. Review status: criteria provided, single submitter. Criteria: Athena Diagnostics Criteria. Collection method: clinical testing. Allele origin: germline.

GeneDx
Classification: Benign. Last evaluated: 2013-01-14. Review status: criteria provided, single submitter. Criteria: GeneDx Variant Classification (06012015). Collection method: clinical testing. Allele origin: germline. Affected: yes.
Comment: This variant is considered likely benign or benign based on one or more of the following criteria: it is a conservative change, it occurs at a poorly conserved position in the protein, it is predicted to be benign by multiple in silico algorithms, and/or has population frequency not consistent with disease.

Laboratory for Molecular Medicine, Mass General Brigham Personalized Medicine
Classification: Benign. Last evaluated: 2010-03-16. Review status: criteria provided, single submitter. Criteria: LMM Criteria. Collection method: clinical testing. Allele origin: germline. Observed: 245 variant alleles.

Genetic Services Laboratory, University of Chicago
Classification: Likely benign. Review status: no assertion criteria provided. Collection method: clinical testing. Allele origin: germline. Inheritance: Autosomal dominant inheritance. Not counted in ClinVar's aggregate classification.
Comment: Likely benign based on allele frequency in 1000 Genomes Project or ESP global frequency and its presence in a patient with a rare or unrelated disease phenotype. NOT Sanger confirmed

NEI Ophthalmic Genomics Laboratory, National Institutes of Health
No classification provided. Review status: no classification provided. Collection method: not provided. Allele origin: not provided. Not counted in ClinVar's aggregate classification.